The following is an entry in ClinVar:

ClinVar aggregate classification (germline): Uncertain significance (1 of 4 stars; one submission).

gnomAD v4.1: 5 of 1,614,024 alleles (0.00031%); highest among the groups gnomAD compares: Non-Finnish European, 0.00042%; no homozygotes.

Submission:

GeneDx
Classification: Uncertain significance. Last evaluated: 2025-08-15. Review status: criteria provided, single submitter. Criteria: GeneDx Variant Classification Process June 2021. Collection method: clinical testing. Allele origin: germline. Affected: yes.
Comment: Not observed at significant frequency in large population cohorts (gnomAD); In silico analysis suggests that this missense variant does not alter protein structure/function; In silico analysis suggests this variant may impact gene splicing. In the absence of RNA/functional studies, the actual effect of this sequence change is unknown.; Has not been previously published as pathogenic or benign to our knowledge

NM_001080517.3(SETD5):c.2816C>T (p.Ser939Leu)

Gene: SETD5 (SET domain containing 5; plus strand). Cytogenetic location: 3p25.3.
Variant type: single nucleotide variant.
Coding change: c.2816C>T on transcript NM_001080517.3 (MANE Select); coding-DNA position 2816, C replaced by T.
Protein change: p.Ser939Leu; replaces serine 939 with leucine.
Molecular consequence: missense variant.
Genome position (GRCh38, 1-based): chr3:9,470,550, C>T. VCF-style: chr3-9470550-C-T. GRCh37 (hg19) VCF-style: chr3-9512234-C-T.
Other names: c.2522C>T, p.Ser841Leu (NM_001292043.2, NM_001349451.2); c.2912C>T, p.Ser971Leu (NM_001437633.1); c.2930C>T, p.Ser977Leu (NM_001437635.1); c.2873C>T, p.Ser958Leu (NM_001437643.1); c.2855C>T, p.Ser952Leu (NM_001437701.1); short protein forms S958L, S939L, S977L, S841L, S971L, S952L.
Identifiers: ClinVar variation 4795292 (VCV004795292.1).